The following is an entry in ClinVar:

ClinVar aggregate classification (germline): Uncertain significance. Review status: criteria provided, multiple submitters, no conflicts (2 of 4 stars). 2 submissions from 2 submitters: Uncertain significance (2). Last evaluated 2025-12-22.

Conditions:
Hereditary cancer-predisposing syndrome. Also called: Hereditary neoplastic syndrome; Neoplastic Syndromes, Hereditary; Tumor predisposition; Hereditary Cancer Syndrome. Identifiers: Orphanet 140162, MedGen C0027672, MeSH D009386, MONDO:0015356.
Familial adenomatous polyposis 1 (FAP1). Also called: POLYPOSIS, ADENOMATOUS INTESTINAL; FAMILIAL ADENOMATOUS POLYPOSIS 1, ATTENUATED. Identifiers: MedGen C2713442, MONDO:0021056, OMIM 175100. Disease mechanism: loss of function.

Submissions (2):

Labcorp Genetics (formerly Invitae), Labcorp
Classification: Uncertain significance for Familial adenomatous polyposis 1. Last evaluated: 2025-12-22. Review status: criteria provided, single submitter. Criteria: Invitae Variant Classification Sherloc (09022015). Collection method: clinical testing. Allele origin: germline.
Comment: This variant, c.1314_1325del, results in the deletion of 5 and insertion of 1 amino acid(s) of the APC protein (p.Met438_Val442delinsIle), but otherwise preserves the integrity of the reading frame. This variant is not present in population databases (gnomAD no frequency). This variant has not been reported in the literature in individuals affected with APC-related conditions. ClinVar contains an entry for this variant (Variation ID: 1769730). RNA analysis performed to evaluate the impact of this variant on mRNA splicing indicates it does not significantly alter splicing (internal data). In summary, the available evidence is currently insufficient to determine the role of this variant in disease. Therefore, it has been classified as a Variant of Uncertain Significance.

Ambry Genetics
Classification: Uncertain significance for Hereditary cancer-predisposing syndrome. Last evaluated: 2020-03-05. Review status: criteria provided, single submitter. Criteria: Ambry Variant Classification Scheme 2023. Collection method: clinical testing. Allele origin: germline.
Comment: The c.1314_1325del12 variant (also known as p.M438_V442delinsI) is located in coding exon 10 of the APC gene. This variant results from an in-frame GCCAGCTCCTGT deletion at nucleotide positions 1314 to 1325 and replaces 5 well-conserved amino acids with an isoleucine residue at codons 438 to 442. This alteration is predicted to be deleterious by in silico analysis (Choi Y et al. PLoS ONE. 2012; 7(10):e46688). Since supporting evidence is limited at this time, the clinical significance of this alteration remains unclear.

NM_000038.5(APC):c.1314_1325del12

Gene: APC (APC regulator of Wnt signaling pathway; plus strand). Cytogenetic location: 5q22.2.
Variant type: Deletion.
Coding change: c.1314_1325del12 on transcript NM_000038.5; coding-DNA positions 1314 to 1325, 12 bases deleted (GCCAGCTCCTGT).
Genome position (GRCh38, 1-based): chr5:112,821,897-112,821,908, GCCAGCTCCTGT deleted; deleting any 12 consecutive bases within chr5:112,821,895-112,821,908 gives the same sequence; the c. name uses the placement nearest the transcript's 3' end. VCF-style (leftmost placement, unchanged base first): chr5-112821894-AGTGCCAGCTCCT-A. GRCh37 (hg19) VCF-style: chr5-112157591-AGTGCCAGCTCCT-A.
Identifiers: ClinVar variation 1769730 (VCV001769730.7), dbSNP rs2533105628, ClinGen allele CA2580072589.